The following is an entry in ClinVar:

NM_000038.6(APC):c.1942A>G (p.Thr648Ala)

Gene: APC (APC regulator of Wnt signaling pathway; plus strand). Cytogenetic location: 5q22.2.
Variant type: single nucleotide variant.
Coding change: c.1942A>G on transcript NM_000038.6 (MANE Select); coding-DNA position 1942, A replaced by G.
Protein change: p.Thr648Ala; replaces threonine 648 with alanine.
Molecular consequence: missense variant. On other transcripts: non-coding transcript variant (2).
Genome position (GRCh38, 1-based): chr5:112,835,149, A>G. VCF-style: chr5-112835149-A-G. GRCh37 (hg19) VCF-style: chr5-112170846-A-G.
Other names: c.1942A>G, p.Thr648Ala (NM_001127510.3, NM_001354895.2, NM_001407450.1); c.1888A>G, p.Thr630Ala (NM_001127511.3); c.1996A>G, p.Thr666Ala (NM_001354896.2, NM_001407447.1, NM_001407448.1 and 1 more transcripts); c.1972A>G, p.Thr658Ala (NM_001354897.2); c.1867A>G, p.Thr623Ala (NM_001354898.2); c.1858A>G, p.Thr620Ala (NM_001354899.2); c.1819A>G, p.Thr607Ala (NM_001354900.2); c.1765A>G, p.Thr589Ala (NM_001354901.2, NM_001407453.1); and 11 more; short protein forms T264A, T365A, T522A, T658A, T666A, T519A, T565A, T620A.
Identifiers: ClinVar variation 4795701 (VCV004795701.2).

ClinVar aggregate classification (germline): Uncertain significance. Review status: criteria provided, multiple submitters, no conflicts (2 of 4 stars). 2 submissions from 2 submitters: Uncertain significance (2). Last evaluated 2025-09-19.

Conditions:
Familial adenomatous polyposis 1 (FAP1). Also called: FAMILIAL ADENOMATOUS POLYPOSIS 1, ATTENUATED; POLYPOSIS, ADENOMATOUS INTESTINAL. Identifiers: MedGen C2713442, MONDO:0021056, OMIM 175100. Disease mechanism: loss of function.

gnomAD v4.1: 3 of 1,613,896 alleles (0.00019%); highest among the groups gnomAD compares: South Asian, 0.0011%; no homozygotes.

Submissions (2):

Labcorp Genetics (formerly Invitae), Labcorp
Classification: Uncertain significance for Familial adenomatous polyposis 1. Last evaluated: 2025-09-19. Review status: criteria provided, single submitter. Criteria: Invitae Variant Classification Sherloc (09022015). Collection method: clinical testing. Allele origin: germline.
Comment: This sequence change replaces threonine, which is neutral and polar, with alanine, which is neutral and non-polar, at codon 648 of the APC protein (p.Thr648Ala). This variant is not present in population databases (gnomAD no frequency). This variant has not been reported in the literature in individuals affected with APC-related conditions. Invitae Evidence Modeling of protein sequence and biophysical properties (such as structural, functional, and spatial information, amino acid conservation, physicochemical variation, residue mobility, and thermodynamic stability) indicates that this missense variant is not expected to disrupt APC protein function with a negative predictive value of 95%. In summary, the available evidence is currently insufficient to determine the role of this variant in disease. Therefore, it has been classified as a Variant of Uncertain Significance.

GeneDx
Classification: Uncertain significance. Last evaluated: 2025-08-13. Review status: criteria provided, single submitter. Criteria: GeneDx Variant Classification Process June 2021. Collection method: clinical testing. Allele origin: germline. Affected: yes.
Comment: Not observed at significant frequency in large population cohorts (gnomAD); In silico analysis supports that this missense variant has a deleterious effect on protein structure/function; Has not been previously published as pathogenic or benign to our knowledge; This variant is associated with the following publications: (PMID: 18199528)